The following is an entry in ClinVar:

ClinVar aggregate classification (germline): Uncertain significance. Review status: criteria provided, multiple submitters, no conflicts (2 of 4 stars). 3 submissions from 3 submitters: Uncertain significance (2). 1 of the submissions does not count toward it. Last evaluated 2022-10-03.

Conditions:
Inborn genetic diseases. Identifiers: MedGen C0950123, MeSH D030342.
Cohen syndrome (COH1). Also called: Cutis verticis gyrata, retinitis pigmentosa, and sensorineural deafness; PEPPER SYNDROME. Identifiers: Orphanet 193, MedGen C0265223, MONDO:0008999, OMIM 216550.

Allele frequency attached by ClinVar (database versions not stated): gnomAD exomes below 0.00001; ExAC 0.00001; gnomAD 0.00001; 1000 Genomes Project 30x 0.00016; 1000 Genomes Project 0.00020.
gnomAD v4.1: 3 of 1,614,008 alleles (0.00019%); highest among the groups gnomAD compares: Admixed American, 0.0033%; no homozygotes.

Submissions (3):

Ambry Genetics
Classification: Uncertain significance for Inborn genetic diseases. Last evaluated: 2022-10-03. Review status: criteria provided, single submitter. Criteria: Ambry Variant Classification Scheme 2023. Collection method: clinical testing. Allele origin: germline.

Labcorp Genetics (formerly Invitae), Labcorp
Classification: Uncertain significance for Cohen syndrome. Last evaluated: 2022-06-20. Review status: criteria provided, single submitter. Criteria: Invitae Variant Classification Sherloc (09022015). Collection method: clinical testing. Allele origin: germline.
Comment: This sequence change replaces proline, which is neutral and non-polar, with serine, which is neutral and polar, at codon 1264 of the VPS13B protein (p.Pro1264Ser). This variant is present in population databases (rs527263178, gnomAD 0.003%). This variant has not been reported in the literature in individuals affected with VPS13B-related conditions. ClinVar contains an entry for this variant (Variation ID: 960201). Algorithms developed to predict the effect of missense changes on protein structure and function are either unavailable or do not agree on the potential impact of this missense change (SIFT: "Not Available"; PolyPhen-2: "Probably Damaging"; Align-GVGD: "Not Available"). In summary, the available evidence is currently insufficient to determine the role of this variant in disease. Therefore, it has been classified as a Variant of Uncertain Significance.

Natera, Inc.
Classification: Uncertain significance for Cohen syndrome. Last evaluated: 2021-04-28. Review status: no assertion criteria provided. Collection method: clinical testing. Allele origin: germline. Not counted in ClinVar's aggregate classification.

NM_152564.5(VPS13B):c.3790C>T (p.Pro1264Ser)

Gene: VPS13B (vacuolar protein sorting 13 homolog B; plus strand). Cytogenetic location: 8q22.2.
Variant type: single nucleotide variant.
Coding change: c.3790C>T on transcript NM_152564.5 (MANE Select); coding-DNA position 3790, C replaced by T.
Protein change: p.Pro1264Ser; replaces proline 1264 with serine.
Molecular consequence: missense variant.
Genome position (GRCh38, 1-based): chr8:99,481,722, C>T. VCF-style: chr8-99481722-C-T. GRCh37 (hg19) VCF-style: chr8-100493950-C-T.
Other names: c.3790C>T, p.Pro1264Ser (NM_017890.5); c.3790C>T (NM_017890.3); short protein forms P1264S.
Identifiers: ClinVar variation 960201 (VCV000960201.11), dbSNP rs527263178, ClinGen allele CA4823335.
Genomic context (GRCh38, chr8:99,481,722, plus strand): 5'-GGCAATCTCAACCTATCTCCAACCTCTCCAGAGACCATGGCAGGGCCTGTTCCTACTTCT[C>T]CAGTTAGAAGCAGTATAGGCACAGCTCCTCCAGATACCAGCACATGCAGCCCATCTGCTG-3'
Protein context (NP_689777.3, residues 1254-1274): ETMAGPVPTS[Pro1264Ser]VRSSIGTAPP